The following is an entry in ClinVar:

NM_005902.4(SMAD3):c.228G>A (p.Gln76=)

Gene: SMAD3 (SMAD family member 3; plus strand). Cytogenetic location: 15q22.33.
Variant type: single nucleotide variant.
Coding change: c.228G>A on transcript NM_005902.4 (MANE Select); coding-DNA position 228, G replaced by A.
Protein change: p.Gln76=; no amino-acid change (glutamine 76 retained).
Molecular consequence: synonymous variant. On other transcripts: 5 prime UTR variant (1).
Genome position (GRCh38, 1-based): chr15:67,164,916, G>A. VCF-style: chr15-67164916-G-A. GRCh37 (hg19) VCF-style: chr15-67457254-G-A.
Other names: c.-88G>A (NM_001145102.2); c.96G>A, p.Gln32= (NM_001145103.2).
Identifiers: ClinVar variation 926082 (VCV000926082.7), dbSNP rs886041046, ClinGen allele CA392953514.
Genomic context (GRCh38, chr15:67,164,916, plus strand): 5'-CACATTTCCCTCTCTTTCTGCCCCTCCCCGTCCTGGCAGGTCCCTGGATGGCCGGTTGCA[G>A]GTGTCCCATCGGAAGGGGCTCCCTCATGTCATCTACTGCCGCCTGTGGCGATGGCCAGAC-3'
Protein context (NP_005893.1, residues 66-86): TIPRSLDGRL[Gln76=]VSHRKGLPHV

ClinVar aggregate classification (germline): Likely benign. Review status: criteria provided, multiple submitters, no conflicts (2 of 4 stars). 3 submissions from 3 submitters: Likely benign (3). Last evaluated 2024-08-23.

Conditions:
Familial thoracic aortic aneurysm and aortic dissection (TAAD). Also called: Thoracic aortic aneurysms and dissections. Identifiers: Orphanet 91387, MedGen C4707243, MONDO:0019625.
Aneurysm-osteoarthritis syndrome. Also called: Loeys-Dietz syndrome, type 1C; LOEYS-DIETZ SYNDROME WITH OSTEOARTHRITIS; SMAD3-Related Loeys-Dietz Syndrome; ANEURYSMS-OSTEOARTHRITIS SYNDROME. Identifiers: Orphanet 284984, MedGen C3151087, MONDO:0013426, OMIM 613795.

Allele frequency attached by ClinVar (database versions not stated): gnomAD exomes below 0.00001 and 0.00001.
gnomAD v4.1: 3 of 1,613,238 alleles (0.00019%); highest among the groups gnomAD compares: Non-Finnish European, 0.00025%; no homozygotes.

Submissions (3):

All of Us Research Program, National Institutes of Health
Classification: Likely benign for Aneurysm-osteoarthritis syndrome. Last evaluated: 2024-08-23. Review status: criteria provided, single submitter. Criteria: ACMG Guidelines, 2015. Collection method: clinical testing. Allele origin: germline. Inheritance: Autosomal dominant inheritance. Observed: 1 variant allele, 1 heterozygote.
Comment: This study involves interpretation of variants in research participants for the purpose of population health screening. Participant phenotype was not available at the time of variant classification. Additional details can be found in publication PMID: 35346344, PMCID: PMC8962531

Labcorp Genetics (formerly Invitae), Labcorp
Classification: Likely benign for Familial thoracic aortic aneurysm and aortic dissection. Last evaluated: 2022-10-05. Review status: criteria provided, single submitter. Criteria: Invitae Variant Classification Sherloc (09022015). Collection method: clinical testing. Allele origin: germline.

Color Diagnostics, LLC DBA Color Health
Classification: Likely benign for Familial thoracic aortic aneurysm and aortic dissection. Last evaluated: 2018-11-13. Review status: criteria provided, single submitter. Criteria: ACMG Guidelines, 2015. Collection method: clinical testing. Allele origin: germline.